The following is an entry in ClinVar:

ClinVar aggregate classification (germline): Pathogenic. Review status: reviewed by expert panel (3 of 4 stars). 2 submissions from 2 submitters: Pathogenic (1). 1 of the submissions does not count toward it. Last evaluated 2016-10-18.

Conditions:
Breast-ovarian cancer, familial, susceptibility to, 2 (BROVCA2). Also called: BRCA2 Hereditary Breast and Ovarian Cancer. Identifiers: Orphanet 145, MedGen C2675520, MONDO:0012933, OMIM 612555. Disease mechanism: loss of function.

Submissions (2):

Evidence-based Network for the Interpretation of Germline Mutant Alleles (ENIGMA)
Classification: Pathogenic for Breast-ovarian cancer, familial, susceptibility to, 2. Last evaluated: 2016-10-18. Review status: reviewed by expert panel. Criteria: ENIGMA BRCA1/2 Classification Criteria (2015). Collection method: curation. Allele origin: germline.
Comment: Variant allele predicted to encode a truncated non-functional protein.

Consortium of Investigators of Modifiers of BRCA1/2 (CIMBA), c/o University of Cambridge
Classification: Pathogenic for Breast-ovarian cancer, familial, susceptibility to, 2. Last evaluated: 2015-10-02. Review status: criteria provided, single submitter. Criteria: CIMBA Mutation Classification guidelines May 2016. Collection method: clinical testing. Allele origin: germline. Not counted in ClinVar's aggregate classification.

NM_000059.4(BRCA2):c.739_740del (p.Ile247fs)

Gene: BRCA2 (BRCA2 DNA repair associated; plus strand). Cytogenetic location: 13q13.1.
Variant type: Deletion.
Coding change: c.739_740del on transcript NM_000059.4 (MANE Select); coding-DNA positions 739 to 740, 2 bases deleted (AT; older notation c.739_740delAT).
Protein change: p.Ile247fs; shifts the reading frame from isoleucine 247.
Molecular consequence: frameshift variant.
Genome position (GRCh38, 1-based): chr13:32,330,976-32,330,977, AT deleted; deleting any 2 consecutive bases within chr13:32,330,975-32,330,977 gives the same sequence; the c. name uses the placement nearest the transcript's 3' end. VCF-style (leftmost placement, unchanged base first): chr13-32330974-TTA-T. GRCh37 (hg19) VCF-style: chr13-32905111-TTA-T.
Other names: 967delAT; short protein forms I247fs.
Identifiers: ClinVar variation 267007 (VCV000267007.5), dbSNP rs886040705, ClinGen allele CA10589048.